The following is an entry in ClinVar:

ClinVar aggregate classification (germline): Uncertain significance (1 of 4 stars; one submission).

Allele frequency attached by ClinVar (database versions not stated): gnomAD exomes below 0.00001.
gnomAD v4.1: 1 of 1,607,148 alleles (0.000062%); highest among the groups gnomAD compares: Non-Finnish European, 0.000085%; no homozygotes.

Submission:

Labcorp Genetics (formerly Invitae), Labcorp
Classification: Uncertain significance. Last evaluated: 2022-06-15. Review status: criteria provided, single submitter. Criteria: Invitae Variant Classification Sherloc (09022015). Collection method: clinical testing. Allele origin: germline.
Comment: This variant is not present in population databases (gnomAD no frequency). In summary, the available evidence is currently insufficient to determine the role of this variant in disease. Therefore, it has been classified as a Variant of Uncertain Significance. Algorithms developed to predict the effect of missense changes on protein structure and function are either unavailable or do not agree on the potential impact of this missense change (SIFT: "Deleterious"; PolyPhen-2: "Probably Damaging"; Align-GVGD: "Class C0"). This variant has not been reported in the literature in individuals affected with ANXA11-related conditions. This sequence change replaces glutamic acid, which is acidic and polar, with lysine, which is basic and polar, at codon 280 of the ANXA11 protein (p.Glu280Lys).

NM_145868.2(ANXA11):c.838G>A (p.Glu280Lys)

Gene: ANXA11 (annexin A11; minus strand). Cytogenetic location: 10q22.3.
Variant type: single nucleotide variant.
Coding change: c.838G>A on transcript NM_145868.2 (MANE Select); coding-DNA position 838, G replaced by A.
Protein change: p.Glu280Lys; replaces glutamic acid 280 with lysine.
Molecular consequence: missense variant.
Genome position (GRCh38, 1-based): chr10:80,166,104, C>T on the plus strand (G>A on the coding strand, the complement: ANXA11 is on the minus strand). VCF-style: chr10-80166104-C-T. GRCh37 (hg19) VCF-style: chr10-81925860-C-T.
Other names: c.838G>A, p.Glu280Lys (NM_145869.2, NM_001157.3, NM_001278407.2 and 1 more transcripts); c.739G>A, p.Glu247Lys (NM_001278409.2); short protein forms E247K, E280K.
Identifiers: ClinVar variation 2006815 (VCV002006815.4), dbSNP rs2492121367, ClinGen allele CA377366702.